The following is an entry in ClinVar:

ClinVar aggregate classification (germline): Uncertain significance. Review status: criteria provided, multiple submitters, no conflicts (2 of 4 stars). 2 submissions from 2 submitters: Uncertain significance (2). Last evaluated 2024-06-25.

Conditions:
Inborn genetic diseases. Identifiers: MedGen C0950123, MeSH D030342.

Allele frequency attached by ClinVar (database versions not stated): ExAC 0.00002.
gnomAD v4.1: 3 of 1,614,114 alleles (0.00019%); highest among the groups gnomAD compares: African/African-American, 0.004%; no homozygotes.

Submissions (2):

GeneDx
Classification: Uncertain significance. Last evaluated: 2024-06-25. Review status: criteria provided, single submitter. Criteria: GeneDx Variant Classification Process June 2021. Collection method: clinical testing. Allele origin: germline. Affected: yes.
Comment: In silico analysis indicates that this missense variant does not alter protein structure/function; Has not been previously published as pathogenic or benign to our knowledge

Ambry Genetics
Classification: Uncertain significance for Inborn genetic diseases. Last evaluated: 2021-10-27. Review status: criteria provided, single submitter. Criteria: Ambry Variant Classification Scheme 2023. Collection method: clinical testing. Allele origin: germline.

NM_001793.6(CDH3):c.2365G>T (p.Ala789Ser)

Gene: CDH3 (cadherin 3; plus strand). Cytogenetic location: 16q22.1.
Variant type: single nucleotide variant.
Coding change: c.2365G>T on transcript NM_001793.6 (MANE Select); coding-DNA position 2365, G replaced by T.
Protein change: p.Ala789Ser; replaces alanine 789 with serine.
Molecular consequence: missense variant. On other transcripts: 3 prime UTR variant (1).
Genome position (GRCh38, 1-based): chr16:68,698,275, G>T. VCF-style: chr16-68698275-G-T. GRCh37 (hg19) VCF-style: chr16-68732178-G-T.
Other names: c.*108G>T (NM_001317195.3); c.2200G>T, p.Ala734Ser (NM_001317196.2); short protein forms A734S, A789S.
Identifiers: ClinVar variation 2257753 (VCV002257753.3), dbSNP rs775074404, ClinGen allele CA8129713.
Genomic context (GRCh38, chr16:68,698,275, plus strand): 5'-CCCACAGCCCCGCCCTACGACACCCTCTTGGTGTTCGACTATGAGGGCAGCGGCTCCGAC[G>T]CCGCGTCCCTGAGCTCCCTCACCTCCTCCGCCTCCGACCAAGACCAAGATTACGATTATC-3'
Protein context (NP_001784.2, residues 779-799): VFDYEGSGSD[Ala789Ser]ASLSSLTSSA